The following is an entry in ClinVar:

ClinVar aggregate classification (germline): Uncertain significance (1 of 4 stars; one submission).

Conditions:
PCNT-related disorder. Also called: PCNT-related condition.

Submission:

PreventionGenetics, part of Exact Sciences
Classification: Uncertain significance for PCNT-related condition. Last evaluated: 2024-12-26. Review status: criteria provided, single submitter. Criteria: ACMG Guidelines, 2015. Collection method: clinical testing. Allele origin: germline.
Comment: The PCNT c.8765T>C variant is predicted to result in the amino acid substitution p.Leu2922Pro. To our knowledge, this variant has not been reported in the literature or in a large population database (gnomAD), indicating this variant is rare. At this time, the clinical significance of this variant is uncertain due to the absence of conclusive functional and genetic evidence.

NM_006031.6(PCNT):c.8765T>C (p.Leu2922Pro)

Gene: PCNT (pericentrin; plus strand). Cytogenetic location: 21q22.3.
Variant type: single nucleotide variant.
Coding change: c.8765T>C on transcript NM_006031.6 (MANE Select); coding-DNA position 8765, T replaced by C.
Protein change: p.Leu2922Pro; replaces leucine 2922 with proline.
Molecular consequence: missense variant.
Genome position (GRCh38, 1-based): chr21:46,435,917, T>C. VCF-style: chr21-46435917-T-C. GRCh37 (hg19) VCF-style: chr21-47855830-T-C.
Other names: c.8174T>C, p.Leu2725Pro (NM_001315529.2); short protein forms L2725P, L2922P.
Identifiers: ClinVar variation 4989932 (VCV004989932.1).